The following is an entry in ClinVar:

NM_001323289.2(CDKL5):c.663dup (p.Thr222fs)

Gene: CDKL5 (cyclin dependent kinase like 5; plus strand). Cytogenetic location: Xp22.13.
Variant type: Duplication.
Coding change: c.663dup on transcript NM_001323289.2 (MANE Select); coding-DNA position 663, one base duplicated (T; older notation c.663dupT).
Protein change: p.Thr222fs; shifts the reading frame from threonine 222.
Molecular consequence: frameshift variant.
Genome position (GRCh38, 1-based): chrX:18,588,062, T duplicated; the last of 5 consecutive T bases (chrX:18,588,058-18,588,062); duplicating any one gives the same sequence. VCF-style (leftmost placement, unchanged base first): chrX-18588057-C-CT. GRCh37 (hg19) VCF-style: chrX-18606177-C-CT.
Other names: c.663dup, p.Thr222fs (NM_001037343.2, NM_003159.3); c.663dupT (NM_003159.2); short protein forms T222fs.
Identifiers: ClinVar variation 817077 (VCV000817077.1), dbSNP rs1602276166, ClinGen allele CA915950762.

ClinVar aggregate classification (germline): Pathogenic (1 of 4 stars; one submission).

Submission:

GeneDx
Classification: Pathogenic. Last evaluated: 2018-01-31. Review status: criteria provided, single submitter. Criteria: GeneDx Variant Classification (06012015). Collection method: clinical testing. Allele origin: germline. Affected: yes.
Comment: The c.663dupT pathogenic variant in the CDKL5 gene causes a frameshift starting with codon Threonine 222, changes this amino acid to a Tyrosine residue and creates a premature Stop codon at position 12 of the new reading frame, denoted p.Thr222TyrfsX12. This pathogenic variant is predicted to cause loss of normal protein function either through protein truncation or nonsense-mediated mRNA decay. The c.663dupT variant is not observed in large population cohorts (Lek et al., 2016).